The following is an entry in ClinVar:

ClinVar aggregate classification (germline): Uncertain significance. Review status: criteria provided, multiple submitters, no conflicts (2 of 4 stars). 2 submissions from 2 submitters: Uncertain significance (2). Last evaluated 2026-01-21.

Conditions:
Oculodentodigital dysplasia, autosomal recessive. Also called: OCULODENTOOSSEOUS DYSPLASIA, AUTOSOMAL RECESSIVE; ODDD, AUTOSOMAL RECESSIVE; ODOD, AUTOSOMAL RECESSIVE. Identifiers: Orphanet 2710, MedGen C2749477, MONDO:0009768, OMIM 257850.

Allele frequency attached by ClinVar (database versions not stated): gnomAD exomes 0.00001; 1000 Genomes Project 30x 0.00016; 1000 Genomes Project 0.00020; gnomAD 0.00002; ExAC 0.00002.
gnomAD v4.1: 16 of 1,614,028 alleles (0.00099%); highest among the groups gnomAD compares: East Asian, 0.02%; no homozygotes.

Submissions (2):

Labcorp Genetics (formerly Invitae), Labcorp
Classification: Uncertain significance for Oculodentodigital dysplasia, autosomal recessive. Last evaluated: 2026-01-21. Review status: criteria provided, single submitter. Criteria: Invitae Variant Classification Sherloc (09022015). Collection method: clinical testing. Allele origin: germline.
Comment: This sequence change replaces isoleucine, which is neutral and non-polar, with valine, which is neutral and non-polar, at codon 156 of the GJA1 protein (p.Ile156Val). This variant is present in population databases (rs559636710, gnomAD 0.01%). This variant has not been reported in the literature in individuals affected with GJA1-related conditions. ClinVar contains an entry for this variant (Variation ID: 2887584). Invitae Evidence Modeling of protein sequence and biophysical properties (such as structural, functional, and spatial information, amino acid conservation, physicochemical variation, residue mobility, and thermodynamic stability) has been performed for this missense variant. However, the output from this modeling did not meet the statistical confidence thresholds required to predict the impact of this variant on GJA1 protein function. In summary, the available evidence is currently insufficient to determine the role of this variant in disease. Therefore, it has been classified as a Variant of Uncertain Significance.

GeneDx
Classification: Uncertain significance. Last evaluated: 2023-11-02. Review status: criteria provided, single submitter. Criteria: GeneDx Variant Classification Process June 2021. Collection method: clinical testing. Allele origin: germline. Affected: yes.
Comment: In silico analysis supports that this missense variant does not alter protein structure/function; Has not been previously published as pathogenic or benign to our knowledge

NM_000165.5(GJA1):c.466A>G (p.Ile156Val)

Gene: GJA1 (gap junction protein alpha 1; plus strand). Cytogenetic location: 6q22.31.
Variant type: single nucleotide variant.
Coding change: c.466A>G on transcript NM_000165.5 (MANE Select); coding-DNA position 466, A replaced by G.
Protein change: p.Ile156Val; replaces isoleucine 156 with valine.
Molecular consequence: missense variant.
Genome position (GRCh38, 1-based): chr6:121,447,313, A>G. VCF-style: chr6-121447313-A-G. GRCh37 (hg19) VCF-style: chr6-121768459-A-G.
Other names: c.466A>G (NM_000165.3); short protein forms I156V.
Identifiers: ClinVar variation 2887584 (VCV002887584.4), dbSNP rs559636710, ClinGen allele CA3981691.
Genomic context (GRCh38, chr6:121,447,313, plus strand): 5'-AAGTACGGTATTGAAGAGCATGGTAAGGTGAAAATGCGAGGGGGGTTGCTGCGAACCTAC[A>G]TCATCAGTATCCTCTTCAAGTCTATCTTTGAGGTGGCCTTCTTGCTGATCCAGTGGTACA-3'
Protein context (NP_000156.1, residues 146-166): KMRGGLLRTY[Ile156Val]ISILFKSIFE